The following is an entry in ClinVar:

ClinVar aggregate classification (germline): Pathogenic (1 of 4 stars; one submission).

Conditions:
Exostoses, multiple, type 2 (EXT2). Also called: Hereditary Multiple Osteochondromatosis, Type II; EXOSTOSES, MULTIPLE, TYPE II. Identifiers: Orphanet 321, MedGen C1851413, MONDO:0007586, OMIM 133701.

Submission:

Labcorp Genetics (formerly Invitae), Labcorp
Classification: Pathogenic for Exostoses, multiple, type 2. Last evaluated: 2023-10-23. Review status: criteria provided, single submitter. Criteria: Invitae Variant Classification Sherloc (09022015). Collection method: clinical testing. Allele origin: germline.
Comment: This sequence change creates a premature translational stop signal (p.Ser290*) in the EXT2 gene. It is expected to result in an absent or disrupted protein product. Loss-of-function variants in EXT2 are known to be pathogenic (PMID: 10679937, 19810120). This variant is not present in population databases (gnomAD no frequency). This premature translational stop signal has been observed in individual(s) with multiple osteochondromas (PMID: 29529714). For these reasons, this variant has been classified as Pathogenic.

Literature cited by the submitters: PubMed 10679937; PubMed 19810120; PubMed 29529714.

NM_207122.2(EXT2):c.869C>A (p.Ser290Ter)

Gene: EXT2 (exostosin glycosyltransferase 2; plus strand). Cytogenetic location: 11p11.2.
Variant type: single nucleotide variant.
Coding change: c.869C>A on transcript NM_207122.2 (MANE Select); coding-DNA position 869, C replaced by A.
Protein change: p.Ser290Ter; replaces serine 290 with a stop codon.
Molecular consequence: nonsense.
Genome position (GRCh38, 1-based): chr11:44,124,914, C>A. VCF-style: chr11-44124914-C-A. GRCh37 (hg19) VCF-style: chr11-44146464-C-A.
Other names: c.968C>A, p.Ser323Ter (NM_000401.3); c.869C>A, p.Ser290Ter (NM_001178083.3, NM_001389628.1, NM_001389630.1); short protein forms S323*, S290*.
Identifiers: ClinVar variation 2910259 (VCV002910259.3), dbSNP rs2539563299, ClinGen allele CA380168325.